The following is an entry in ClinVar:

NM_000316.3(PTH1R):c.313+32A>G

Gene: PTH1R (parathyroid hormone 1 receptor; plus strand). Cytogenetic location: 3p21.31.
Variant type: single nucleotide variant.
Coding change: c.313+32A>G on transcript NM_000316.3 (MANE Select); 32 bases into the intron after coding-DNA position 313, A replaced by G.
Molecular consequence: intron variant.
Genome position (GRCh38, 1-based): chr3:46,895,901, A>G. VCF-style: chr3-46895901-A-G. GRCh37 (hg19) VCF-style: chr3-46937391-A-G.
Other names: c.313+32A>G (NM_001184744.1).
Identifiers: ClinVar variation 1166415 (VCV001166415.35), dbSNP rs113566258, ClinGen allele CA2359142.

ClinVar aggregate classification (germline): Benign/Likely benign. Review status: criteria provided, multiple submitters, no conflicts (2 of 4 stars). 4 submissions from 4 submitters: Benign (2); Likely benign (2). Last evaluated 2025-12-01.

Allele frequency attached by ClinVar (database versions not stated): gnomAD exomes 0.02105 and 0.02171; 1000 Genomes Project 30x 0.02233; 1000 Genomes Project 0.02296; ExAC 0.02330; gnomAD 0.02793 and 0.02868; TOPMed 0.03038; ESP Exome Variant Server 0.03291.

Submissions (4):

CeGaT Center for Human Genetics Tuebingen
Classification: Benign. Last evaluated: 2025-12-01. Review status: criteria provided, single submitter. Criteria: CeGaT Center For Human Genetics Tuebingen Variant Classification Criteria Version 2. Collection method: clinical testing. Allele origin: germline. Affected: yes. Observed: 13 variant alleles.
Comment: PTH1R: BS1, BS2

Labcorp Genetics (formerly Invitae), Labcorp
Classification: Benign. Last evaluated: 2025-07-21. Review status: criteria provided, single submitter. Criteria: Invitae Variant Classification Sherloc (09022015). Collection method: clinical testing. Allele origin: germline.

GeneDx
Classification: Likely benign. Last evaluated: 2018-07-13. Review status: criteria provided, single submitter. Criteria: GeneDx Variant Classification Process June 2021. Collection method: clinical testing. Allele origin: germline. Affected: yes.
Comment: This variant is associated with the following publications: (PMID: 29376733)

Breakthrough Genomics
Classification: Likely benign. Review status: criteria provided, single submitter. Criteria: ACMG Guidelines, 2015. Collection method: not provided. Allele origin: germline. Inheritance: Autosomal recessive inheritance. Affected: yes.